The following is an entry in ClinVar:

ClinVar aggregate classification (germline): Uncertain significance (1 of 4 stars; one submission).

Allele frequency attached by ClinVar (database versions not stated): gnomAD exomes below 0.00001; TOPMed 0.00001; ExAC 0.00003; gnomAD 0.00003; 1000 Genomes Project 30x 0.00021; 1000 Genomes Project 0.00026.

Submission:

Labcorp Genetics (formerly Invitae), Labcorp
Classification: Uncertain significance. Last evaluated: 2023-04-24. Review status: criteria provided, single submitter. Criteria: Invitae Variant Classification Sherloc (09022015). Collection method: clinical testing. Allele origin: germline.
Comment: Advanced modeling of protein sequence and biophysical properties (such as structural, functional, and spatial information, amino acid conservation, physicochemical variation, residue mobility, and thermodynamic stability) performed at Invitae indicates that this missense variant is not expected to disrupt PQBP1 protein function. ClinVar contains an entry for this variant (Variation ID: 1959885). This variant has not been reported in the literature in individuals affected with PQBP1-related conditions. The frequency data for this variant in the population databases is considered unreliable, as metrics indicate poor data quality at this position in the gnomAD database. This sequence change replaces arginine, which is basic and polar, with cysteine, which is neutral and slightly polar, at codon 177 of the PQBP1 protein (p.Arg177Cys). In summary, the available evidence is currently insufficient to determine the role of this variant in disease. Therefore, it has been classified as a Variant of Uncertain Significance.

NM_001032382.2(PQBP1):c.529C>T (p.Arg177Cys)

Gene: PQBP1 (polyglutamine binding protein 1; plus strand). Cytogenetic location: Xp11.23.
Variant type: single nucleotide variant.
Coding change: c.529C>T on transcript NM_001032382.2 (MANE Select); coding-DNA position 529, C replaced by T.
Protein change: p.Arg177Cys; replaces arginine 177 with cysteine.
Molecular consequence: missense variant. On other transcripts: intron variant (1).
Genome position (GRCh38, 1-based): chrX:48,902,469, C>T. VCF-style: chrX-48902469-C-T. GRCh37 (hg19) VCF-style: chrX-48759746-C-T.
Other names: c.529C>T, p.Arg177Cys (NM_001032381.2, NM_001032383.2, NM_001032384.1 and 2 more transcripts); c.505C>T, p.Arg169Cys (NM_001167990.2); c.229C>T, p.Arg77Cys (NM_001167992.1); c.293-263C>T (NM_144495.3); short protein forms R177C, R169C, R77C.
Identifiers: ClinVar variation 1959885 (VCV001959885.5), dbSNP rs782634968, ClinGen allele CA10405935.